The following is an entry in ClinVar:

ClinVar aggregate classification (germline): Benign/Likely benign. Review status: criteria provided, multiple submitters, no conflicts (2 of 4 stars). 2 submissions from 2 submitters: Benign (1); Likely benign (1). Last evaluated 2025-03-12.

Conditions:
Pheochromocytoma/paraganglioma syndrome 4. Also called: CAROTID BODY TUMORS AND MULTIPLE EXTRAADRENAL PHEOCHROMOCYTOMAS; PARAGANGLIOMA, FAMILIAL MALIGNANT; PARAGANGLIOMAS, HEREDITARY EXTRAADRENAL; PHEOCHROMOCYTOMA, FAMILIAL EXTRAADRENAL; Paragangliomas 4; SDHB-Related Hereditary Paraganglioma-Pheochromocytoma Syndrome (Paragangliomas 4). Identifiers: Orphanet 29072, MedGen C1861848, MONDO:0007273, OMIM 115310.
Pheochromocytoma. Also called: MAX-Related Hereditary Paraganglioma-Pheochromocytoma Syndrome. Identifiers: Orphanet 29072, MedGen C0031511, MONDO:0008233, OMIM 171300, HP:0002666.
Gastrointestinal stromal tumor. Also called: Gastrointestinal stromal tumor, somatic; Gastrointestinal stroma tumor. Identifiers: Orphanet 44890, MedGen C0238198, MeSH D046152, MONDO:0011719, OMIM 606764, HP:0100723.

Submissions (2):

Myriad Genetics, Inc.
Classification: Benign for Pheochromocytoma/paraganglioma syndrome 4. Last evaluated: 2025-03-12. Review status: criteria provided, single submitter. Criteria: Myriad Autosomal Dominant, Autosomal Recessive and X-Linked Classification Criteria (2023). Collection method: clinical testing. Allele origin: unknown.
Comment: This variant is considered benign. This variant is a silent/synonymous amino acid change and it is not expected to impact splicing.

Labcorp Genetics (formerly Invitae), Labcorp
Classification: Likely benign for Gastrointestinal stromal tumor; Pheochromocytoma/paraganglioma syndrome 4; Pheochromocytoma. Last evaluated: 2025-01-22. Review status: criteria provided, single submitter. Criteria: Invitae Variant Classification Sherloc (09022015). Collection method: clinical testing. Allele origin: germline.

NM_003000.3(SDHB):c.36G>T (p.Arg12=)

Gene: SDHB (succinate dehydrogenase complex iron sulfur subunit B; minus strand). Cytogenetic location: 1p36.13.
Variant type: single nucleotide variant.
Coding change: c.36G>T on transcript NM_003000.3 (MANE Select); coding-DNA position 36, G replaced by T.
Protein change: p.Arg12=; no amino-acid change (arginine 12 retained).
Molecular consequence: synonymous variant.
Genome position (GRCh38, 1-based): chr1:17,053,984, C>A on the plus strand (G>T on the coding strand, the complement: SDHB is on the minus strand). VCF-style: chr1-17053984-C-A. GRCh37 (hg19) VCF-style: chr1-17380479-C-A.
Other names: c.36G>T, p.Arg12= (NM_001407361.1).
Identifiers: ClinVar variation 3760399 (VCV003760399.3).
Genomic context (GRCh38, chr1:17,053,984, plus strand): 5'-CCTCTCTGAGGCTCCAGGACTCACCTGCAGGCAGGCTCCGCCAAGGGTTGTGGCCGGCAA[C>A]CGGCGCCTCAAGGAGAGGGCGACCACCGCCGCCATCTTGGCTCCTGACGTCAGCCCCACC-3'
Protein context (NP_002991.2, residues 2-22): AAVVALSLRR[Arg12=]LPATTLGGAC